The following is an entry in ClinVar:

ClinVar aggregate classification (germline): Likely benign. Review status: criteria provided, single submitter (1 of 4 stars). 2 submissions from 2 submitters: Likely benign (1). 1 of the submissions does not count toward it. Last evaluated 2024-07-12.

Conditions:
COL2A1-related disorder. Also called: COL2A1-related condition; COL2A1-related disorders.

Allele frequency attached by ClinVar (database versions not stated): gnomAD exomes below 0.00001.
gnomAD v4.1: 2 of 1,613,002 alleles (0.00012%); highest among the groups gnomAD compares: Non-Finnish European, 0.00017%; no homozygotes.

Submissions (2):

Labcorp Genetics (formerly Invitae), Labcorp
Classification: Likely benign. Last evaluated: 2024-07-12. Review status: criteria provided, single submitter. Criteria: Invitae Variant Classification Sherloc (09022015). Collection method: clinical testing. Allele origin: germline.

PreventionGenetics, part of Exact Sciences
Classification: Likely benign for COL2A1-related condition. Last evaluated: 2020-09-08. Review status: no assertion criteria provided. Collection method: clinical testing. Allele origin: germline. Not counted in ClinVar's aggregate classification.
Comment: This variant is classified as likely benign based on ACMG/AMP sequence variant interpretation guidelines (Richards et al. 2015 PMID: 25741868, with internal and published modifications).

NM_001844.5(COL2A1):c.2448T>C (p.Gly816=)

Gene: COL2A1 (collagen type II alpha 1 chain; minus strand). Cytogenetic location: 12q13.11.
Variant type: single nucleotide variant.
Coding change: c.2448T>C on transcript NM_001844.5 (MANE Select); coding-DNA position 2448, T replaced by C.
Protein change: p.Gly816=; no amino-acid change (glycine 816 retained).
Molecular consequence: synonymous variant.
Genome position (GRCh38, 1-based): chr12:47,981,358, A>G on the plus strand (T>C on the coding strand, the complement: COL2A1 is on the minus strand). VCF-style: chr12-47981358-A-G. GRCh37 (hg19) VCF-style: chr12-48375141-A-G.
Other names: c.2241T>C, p.Gly747= (NM_033150.3).
Identifiers: ClinVar variation 3031967 (VCV003031967.4), dbSNP rs2540127204, ClinGen allele CA479458963.
Genomic context (GRCh38, chr12:47,981,358, plus strand): 5'-CCAGGGGCCTCGGGCAGAGCCAGGCTCAGAGGGGCAGACACTCACCGGAGCGCCACGAGC[A>G]CCAGCACTTCCTGCAGGACCAGGAGGTCCAACTTCTCCCTGAGGGTGGGGAAGGGAGGAA-3'
Protein context (NP_001835.3, residues 806-826): VGPPGPAGSA[Gly816=]ARGAPGERGE